The following is an entry in ClinVar:

NM_000053.4(ATP7B):c.3917A>T (p.Asp1306Val)

Gene: ATP7B (ATPase copper transporting beta; minus strand). Cytogenetic location: 13q14.3.
Variant type: single nucleotide variant.
Coding change: c.3917A>T on transcript NM_000053.4 (MANE Select); coding-DNA position 3917, A replaced by T.
Protein change: p.Asp1306Val; replaces aspartic acid 1306 with valine.
Molecular consequence: missense variant.
Genome position (GRCh38, 1-based): chr13:51,937,380, T>A on the plus strand (A>T on the coding strand, the complement: ATP7B is on the minus strand). VCF-style: chr13-51937380-T-A. GRCh37 (hg19) VCF-style: chr13-52511516-T-A.
Other names: c.3296A>T, p.Asp1099Val (NM_001005918.3); c.3584A>T, p.Asp1195Val (NM_001243182.2); c.3683A>T, p.Asp1228Val (NM_001330578.2, NM_001406527.1, NM_001406528.1); c.3665A>T, p.Asp1222Val (NM_001330579.2, NM_001406531.1, NM_001406532.1); c.3917A>T, p.Asp1306Val (NM_001406511.1, NM_001406512.1); c.3911A>T, p.Asp1304Val (NM_001406513.1); c.3884A>T, p.Asp1295Val (NM_001406514.1); c.3863A>T, p.Asp1288Val (NM_001406515.1, NM_001406516.1); and 21 more; short protein forms D1025V, D1079V, D1090V, D1099V, D1112V, D1142V, D1144V, D1157V.
Identifiers: ClinVar variation 4796630 (VCV004796630.1).

ClinVar aggregate classification (germline): Uncertain significance (1 of 4 stars; one submission).

Conditions:
Wilson disease (WND). Also called: Wilson's disease. Identifiers: Orphanet 905, MedGen C0019202, MONDO:0010200, OMIM 277900. Disease mechanism: loss of function.

Submission:

Juno Genomics, Hangzhou Juno Genomics, Inc
Classification: Uncertain significance for Wilson disease. Review status: criteria provided, single submitter. Criteria: ACMG Guidelines, 2015. Collection method: clinical testing. Allele origin: germline. Affected: yes.
Comment: Absent from controls (or at extremely low frequency if recessive) in Genome Aggregation Database, Exome Sequencing Project, 1000 Genomes Project, or Exome Aggregation Consortium.;Multiple lines of computational evidence support a deleterious effect on the gene or gene product (conservation, evolutionary, splicing impact, etc).;For recessive disorders, detected in trans with a pathogenic variant.